The following is an entry in ClinVar:

NM_153460.4(IL17RC):c.515G>A (p.Arg172Gln)

Gene: IL17RC (interleukin 17 receptor C; plus strand). Cytogenetic location: 3p25.3.
Variant type: single nucleotide variant.
Coding change: c.515G>A on transcript NM_153460.4 (MANE Select); coding-DNA position 515, G replaced by A.
Protein change: p.Arg172Gln; replaces arginine 172 with glutamine.
Molecular consequence: missense variant. On other transcripts: non-coding transcript variant (1).
Genome position (GRCh38, 1-based): chr3:9,920,540, G>A. VCF-style: chr3-9920540-G-A. GRCh37 (hg19) VCF-style: chr3-9962224-G-A.
Other names: c.515G>A, p.Arg172Gln (NM_001203263.2, NM_001203264.2, NM_001203265.2 and 4 more transcripts); c.440G>A, p.Arg147Gln (NM_001367279.1); c.728G>A, p.Arg243Gln (NM_153461.4); short protein forms R147Q, R172Q, R243Q.
Identifiers: ClinVar variation 2901693 (VCV002901693.3), dbSNP rs771496986, ClinGen allele CA2246857.
Genomic context (GRCh38, chr3:9,920,540, plus strand): 5'-TCTCCTCACAGGGCTCTGTGGTATATGACTGCTTCGAGGCTGCCCTAGGGAGTGAGGTAC[G>A]AATCTGGTCCTATACTCAGCCCAGGTACGAGAAGGAACTCAACCACACACAGCAGCTGCC-3'
Protein context (NP_703190.2, residues 162-182): CFEAALGSEV[Arg172Gln]IWSYTQPRYE

ClinVar aggregate classification (germline): Uncertain significance (1 of 4 stars; one submission).

Conditions:
Candidiasis, familial, 9 (CANDF9). Identifiers: Orphanet 1334, MedGen C4225324, MONDO:0014642, OMIM 616445.

Allele frequency attached by ClinVar (database versions not stated): TOPMed below 0.00001; gnomAD exomes 0.00001; ExAC 0.00004.
gnomAD v4.1: 13 of 1,608,538 alleles (0.00081%); highest among the groups gnomAD compares: East Asian, 0.0089%; no homozygotes.

Submission:

Labcorp Genetics (formerly Invitae), Labcorp
Classification: Uncertain significance for Candidiasis, familial, 9. Last evaluated: 2023-12-15. Review status: criteria provided, single submitter. Criteria: Invitae Variant Classification Sherloc (09022015). Collection method: clinical testing. Allele origin: germline.
Comment: This sequence change replaces arginine, which is basic and polar, with glutamine, which is neutral and polar, at codon 243 of the IL17RC protein (p.Arg243Gln). The frequency data for this variant in the population databases is considered unreliable, as metrics indicate poor data quality at this position in the gnomAD database. This variant has not been reported in the literature in individuals affected with IL17RC-related conditions. Algorithms developed to predict the effect of missense changes on protein structure and function output the following: SIFT: "Not Available"; PolyPhen-2: "Benign"; Align-GVGD: "Not Available". The glutamine amino acid residue is found in multiple mammalian species, which suggests that this missense change does not adversely affect protein function. In summary, the available evidence is currently insufficient to determine the role of this variant in disease. Therefore, it has been classified as a Variant of Uncertain Significance.